The following is an entry in ClinVar:

ClinVar aggregate classification (germline): Uncertain significance. Review status: criteria provided, multiple submitters, no conflicts (2 of 4 stars). 2 submissions from 2 submitters: Uncertain significance (2). Last evaluated 2025-08-14.

Conditions:
Myofibrillar myopathy 5. Also called: FILAMINOPATHY, AUTOSOMAL DOMINANT; Filaminopathy (type). Identifiers: Orphanet 171445, MedGen C1836050, MONDO:0012289, OMIM 609524.
Distal myopathy with posterior leg and anterior hand involvement. Also called: WILLIAMS DISTAL MYOPATHY. Identifiers: Orphanet 63273, MedGen C3279722, MONDO:0013550, OMIM 614065.
Hypertrophic cardiomyopathy 26. Also called: Cardiomyopathy, familial hypertrophic, 26. Identifiers: Orphanet 75249, MedGen C4310749, MONDO:0014883, OMIM 617047.

Allele frequency attached by ClinVar (database versions not stated): TOPMed below 0.00001; gnomAD exomes 0.00003.
gnomAD v4.1: 44 of 1,614,116 alleles (0.0027%); highest among the groups gnomAD compares: Non-Finnish European, 0.0037%; no homozygotes.

Submissions (2):

Labcorp Genetics (formerly Invitae), Labcorp
Classification: Uncertain significance for Distal myopathy with posterior leg and anterior hand involvement; Myofibrillar myopathy 5; Hypertrophic cardiomyopathy 26. Last evaluated: 2025-08-14. Review status: criteria provided, single submitter. Criteria: Invitae Variant Classification Sherloc (09022015). Collection method: clinical testing. Allele origin: germline.
Comment: This sequence change replaces isoleucine, which is neutral and non-polar, with valine, which is neutral and non-polar, at codon 1131 of the FLNC protein (p.Ile1131Val). This variant is not present in population databases (gnomAD no frequency). This variant has not been reported in the literature in individuals affected with FLNC-related conditions. ClinVar contains an entry for this variant (Variation ID: 940926). Invitae Evidence Modeling of protein sequence and biophysical properties (such as structural, functional, and spatial information, amino acid conservation, physicochemical variation, residue mobility, and thermodynamic stability) has been performed for this missense variant. However, the output from this modeling did not meet the statistical confidence thresholds required to predict the impact of this variant on FLNC protein function. In summary, the available evidence is currently insufficient to determine the role of this variant in disease. Therefore, it has been classified as a Variant of Uncertain Significance.

GeneDx
Classification: Uncertain significance. Last evaluated: 2024-11-14. Review status: criteria provided, single submitter. Criteria: GeneDx Variant Classification Process June 2021. Collection method: clinical testing. Allele origin: germline. Affected: yes.
Comment: Not observed at significant frequency in large population cohorts (gnomAD); In silico analysis indicates that this missense variant does not alter protein structure/function; Has not been previously published as pathogenic or benign to our knowledge

NM_001458.5(FLNC):c.3391A>G (p.Ile1131Val)

Gene: FLNC (filamin C; plus strand). Cytogenetic location: 7q32.1.
Variant type: single nucleotide variant.
Coding change: c.3391A>G on transcript NM_001458.5 (MANE Select); coding-DNA position 3391, A replaced by G.
Protein change: p.Ile1131Val; replaces isoleucine 1131 with valine.
Molecular consequence: missense variant.
Genome position (GRCh38, 1-based): chr7:128,844,856, A>G. VCF-style: chr7-128844856-A-G. GRCh37 (hg19) VCF-style: chr7-128484910-A-G.
Other names: c.3391A>G, p.Ile1131Val (NM_001127487.2); short protein forms I1131V.
Identifiers: ClinVar variation 940926 (VCV000940926.10), dbSNP rs773110786, ClinGen allele CA166178556.